The following is an entry in ClinVar:

NM_006514.4(SCN10A):c.1290+237G>A

Gene: SCN10A (sodium voltage-gated channel alpha subunit 10; minus strand). Cytogenetic location: 3p22.2.
Variant type: single nucleotide variant.
Coding change: c.1290+237G>A on transcript NM_006514.4 (MANE Select); 237 bases into the intron after coding-DNA position 1290, G replaced by A.
Molecular consequence: intron variant.
Genome position (GRCh38, 1-based): chr3:38,756,437, C>T on the plus strand (G>A on the coding strand, the complement: SCN10A is on the minus strand). VCF-style: chr3-38756437-C-T. GRCh37 (hg19) VCF-style: chr3-38797928-C-T.
Other names: c.1290+237G>A (NM_001293307.2, NM_001293306.2).
Identifiers: ClinVar variation 669325 (VCV000669325.1), dbSNP rs7374030, ClinGen allele CA11550491.
Genomic context (GRCh38, chr3:38,756,437, plus strand): 5'-GGATCAAGCTGAAGCTGGTCTCTAGCTGAGAACACTCCTTGTTTAGTTCCACCCTCTGCC[C>T]CATTCTGTTTTGCTTCATTCGCTTTCTCCTGAGAGCACTCCCTCAATAGGTCACTTGCAC-3'

ClinVar aggregate classification (germline): Benign (1 of 4 stars; one submission).

Allele frequency attached by ClinVar (database versions not stated): gnomAD 0.06685 and 0.06863; TOPMed 0.07387; 1000 Genomes Project 0.09844; 1000 Genomes Project 30x 0.09963.
gnomAD v4.1: 10,392 of 152,154 alleles (6.8%); highest among the groups gnomAD compares: East Asian, 10%; 438 homozygotes.

Submission:

GeneDx
Classification: Benign. Last evaluated: 2018-06-13. Review status: criteria provided, single submitter. Criteria: GeneDx Variant Classification (06012015). Collection method: clinical testing. Allele origin: germline. Affected: yes.
Comment: This variant is considered likely benign or benign based on one or more of the following criteria: it is a conservative change, it occurs at a poorly conserved position in the protein, it is predicted to be benign by multiple in silico algorithms, and/or has population frequency not consistent with disease.